The following is an entry in ClinVar:

ClinVar aggregate classification (germline): Likely benign. Review status: criteria provided, multiple submitters, no conflicts (2 of 4 stars). 4 submissions from 4 submitters: Likely benign (4). Last evaluated 2025-11-15.

Conditions:
Familial thoracic aortic aneurysm and aortic dissection (TAAD). Also called: Thoracic aortic aneurysms and dissections. Identifiers: Orphanet 91387, MedGen C4707243, MONDO:0019625.
Ehlers-Danlos syndrome, type 4 (EDSVASC). Also called: Ehlers-Danlos syndrome vascular type; Ehlers Danlos syndrome, ecchymotic type; Ehlers Danlos syndrome, arterial type; Ehlers Danlos syndrome, Sack-Barabas type; Ehlers-Danlos Syndrome Type IV. Identifiers: Orphanet 286, MedGen C0268338, MONDO:0017314, OMIM 130050.

Allele frequency attached by ClinVar (database versions not stated): gnomAD 0.00001; gnomAD exomes 0.00001; TOPMed 0.00002.
gnomAD v4.1: 4 of 1,612,772 alleles (0.00025%); highest among the groups gnomAD compares: Admixed American, 0.0033%; no homozygotes.

Submissions (4):

Ambry Genetics
Classification: Likely benign for Familial thoracic aortic aneurysm and aortic dissection. Last evaluated: 2025-11-15. Review status: criteria provided, single submitter. Criteria: Ambry Variant Classification Scheme 2023. Collection method: clinical testing. Allele origin: germline.

All of Us Research Program, National Institutes of Health
Classification: Likely benign for Ehlers-Danlos syndrome, type 4. Last evaluated: 2024-03-14. Review status: criteria provided, single submitter. Criteria: ACMG Guidelines, 2015. Collection method: clinical testing. Allele origin: germline. Inheritance: Autosomal dominant inheritance. Observed: 1 variant allele, 1 heterozygote.
Comment: This study involves interpretation of variants in research participants for the purpose of population health screening. Participant phenotype was not available at the time of variant classification. Additional details can be found in publication PMID: 35346344, PMCID: PMC8962531

Labcorp Genetics (formerly Invitae), Labcorp
Classification: Likely benign for Ehlers-Danlos syndrome, type 4. Last evaluated: 2021-08-13. Review status: criteria provided, single submitter. Criteria: Invitae Variant Classification Sherloc (09022015). Collection method: clinical testing. Allele origin: germline.

Color Diagnostics, LLC DBA Color Health
Classification: Likely benign for Familial thoracic aortic aneurysm and aortic dissection. Last evaluated: 2020-11-16. Review status: criteria provided, single submitter. Criteria: ACMG Guidelines, 2015. Collection method: clinical testing. Allele origin: germline.

NM_000090.4(COL3A1):c.567T>C (p.Gly189=)

Gene: COL3A1 (collagen type III alpha 1 chain; plus strand). Cytogenetic location: 2q32.2.
Variant type: single nucleotide variant.
Coding change: c.567T>C on transcript NM_000090.4 (MANE Select); coding-DNA position 567, T replaced by C.
Protein change: p.Gly189=; no amino-acid change (glycine 189 retained).
Molecular consequence: synonymous variant.
Genome position (GRCh38, 1-based): chr2:188,988,119, T>C. VCF-style: chr2-188988119-T-C. GRCh37 (hg19) VCF-style: chr2-189852845-T-C.
Identifiers: ClinVar variation 1172350 (VCV001172350.12), dbSNP rs946410316, ClinGen allele CA62588250.